The following is an entry in ClinVar:

ClinVar aggregate classification (germline): Pathogenic (1 of 4 stars; one submission).

Conditions:
Polycystic kidney disease, adult type (PKD1). Also called: Polycystic Kidney, Autosomal Dominant; POLYCYSTIC KIDNEY DISEASE 1 WITH OR WITHOUT POLYCYSTIC LIVER DISEASE; POLYCYSTIC KIDNEY DISEASE, ADULT, TYPE I; Polycystic Kidney Disease 1, Autosomal Dominant; Polycystic kidney disease 1; Polycystic kidney disease 1, severe. Identifiers: MedGen C3149841, MONDO:0008263, OMIM 173900.

Submission:

Juno Genomics, Hangzhou Juno Genomics, Inc
Classification: Pathogenic for Polycystic kidney disease, adult type. Review status: criteria provided, single submitter. Criteria: ACMG Guidelines, 2015. Collection method: clinical testing. Allele origin: germline. Affected: yes.
Comment: Null variant in a gene where loss of function (LOF) is a known mechanism of disease.;Absent from controls (or at extremely low frequency if recessive) in Genome Aggregation Database, Exome Sequencing Project, 1000 Genomes Project, or Exome Aggregation Consortium.;Patient's phenotype or family history is highly specific for a disease with a single genetic etiology.

NM_001009944.3(PKD1):c.11277_11280dup (p.Asp3761fs)

Genes: PKD1 (polycystin 1, transient receptor potential channel interacting; minus strand), PKD1-AS1 (PKD1 antisense RNA 1; plus strand). Cytogenetic location: 16p13.3.
Variant type: Duplication.
Coding change: c.11277_11280dup on transcript NM_001009944.3 (MANE Select); coding-DNA positions 11277 to 11280, 4 bases duplicated (CCCA; older notation c.11277_11280dupCCCA).
Protein change: p.Asp3761fs; shifts the reading frame from aspartic acid 3761.
Molecular consequence: frameshift variant.
Genome position (GRCh38, 1-based): chr16:2,092,178-2,092,181, TGGG duplicated on the plus strand (CCCA on the coding strand, the reverse complement: PKD1 is on the minus strand); duplicating any 4 consecutive bases within chr16:2,092,178-2,092,182 gives the same sequence; the c. name uses the placement nearest the transcript's 3' end. VCF-style (leftmost placement, unchanged base first): chr16-2092177-C-CTGGG. GRCh37 (hg19) VCF-style: chr16-2142178-C-CTGGG.
Other names: c.11274_11277dup, p.Asp3760fs (NM_000296.4); short protein forms D3761fs, D3760fs.
Identifiers: ClinVar variation 3335881 (VCV003335881.2).